The following is an entry in ClinVar:

ClinVar aggregate classification (germline): Likely benign. Review status: criteria provided, multiple submitters, no conflicts (2 of 4 stars). 4 submissions from 4 submitters: Likely benign (4). Last evaluated 2025-11-28.

Conditions:
Spastic paraplegia. Identifiers: MedGen C0037772, HP:0001258.

Allele frequency attached by ClinVar (database versions not stated): gnomAD 0.00005 and 0.00006; ExAC 0.00007; TOPMed 0.00008; gnomAD exomes 0.00010; 1000 Genomes Project 30x 0.00016; 1000 Genomes Project 0.00020.

Submissions (4):

Labcorp Genetics (formerly Invitae), Labcorp
Classification: Likely benign for Spastic paraplegia. Last evaluated: 2025-11-28. Review status: criteria provided, single submitter. Criteria: Invitae Variant Classification Sherloc (09022015). Collection method: clinical testing. Allele origin: germline.

CeGaT Center for Human Genetics Tuebingen
Classification: Likely benign. Last evaluated: 2025-10-01. Review status: criteria provided, single submitter. Criteria: CeGaT Center For Human Genetics Tuebingen Variant Classification Criteria Version 2. Collection method: clinical testing. Allele origin: germline. Affected: yes. Observed: 1 variant allele.
Comment: ZFYVE26: BP4, BP7

Mayo Clinic Laboratories, Mayo Clinic
Classification: Likely benign. Last evaluated: 2025-02-17. Review status: criteria provided, single submitter. Criteria: ACMG Guidelines, 2015. Collection method: clinical testing. Allele origin: germline. Observed: 1 variant allele.
Comment: BP4, BP7

Blueprint Genetics
Classification: Likely benign. Last evaluated: 2024-04-11. Review status: criteria provided, single submitter. Criteria: ACMG Guidelines, 2015. Collection method: clinical testing. Allele origin: germline.

NM_015346.4(ZFYVE26):c.747C>T (p.Thr249=)

Gene: ZFYVE26 (zinc finger FYVE-type containing 26; minus strand). Cytogenetic location: 14q24.1.
Variant type: single nucleotide variant.
Coding change: c.747C>T on transcript NM_015346.4 (MANE Select); coding-DNA position 747, C replaced by T.
Protein change: p.Thr249=; no amino-acid change (threonine 249 retained).
Molecular consequence: synonymous variant.
Genome position (GRCh38, 1-based): chr14:67,807,537, G>A on the plus strand (C>T on the coding strand, the complement: ZFYVE26 is on the minus strand). VCF-style: chr14-67807537-G-A. GRCh37 (hg19) VCF-style: chr14-68274254-G-A.
Other names: p.Thr249=.
Identifiers: ClinVar variation 1127171 (VCV001127171.17), dbSNP rs543334038, ClinGen allele CA7240713.